The following is an entry in ClinVar:

NM_033056.4(PCDH15):c.5721_5724dup (p.Arg1909fs)

Gene: PCDH15 (protocadherin related 15; minus strand). Cytogenetic location: 10q21.1.
Variant type: Duplication.
Coding change: c.5721_5724dup on transcript NM_033056.4 (MANE Plus Clinical); coding-DNA positions 5721 to 5724, 4 bases duplicated (TCTA; older notation c.5721_5724dupTCTA).
Protein change: p.Arg1909fs; shifts the reading frame from arginine 1909.
Molecular consequence: frameshift variant. On other transcripts: intron variant (8).
Genome position (GRCh38, 1-based): chr10:53,822,002-53,822,005, TAGA duplicated on the plus strand (TCTA on the coding strand, the reverse complement: PCDH15 is on the minus strand); duplicating any 4 consecutive bases within chr10:53,822,002-53,822,008 gives the same sequence; the c. name uses the placement nearest the transcript's 3' end. VCF-style (leftmost placement, unchanged base first): chr10-53822001-G-GTAGA. GRCh37 (hg19) VCF-style: chr10-55581761-G-GTAGA.
Other names: c.5742_5745dup, p.Arg1916fs (NM_001142763.2); c.5727_5730dup, p.Arg1911fs (NM_001142764.2); c.5514_5517dup, p.Arg1840fs (NM_001142765.2); c.5712_5715dup, p.Arg1906fs (NM_001142766.2); c.5601_5604dup, p.Arg1869fs (NM_001142767.2); c.5661_5664dup, p.Arg1889fs (NM_001142768.2); c.5652_5655dup, p.Arg1886fs (NM_001142773.2); c.5655_5658dup, p.Arg1887fs (NM_001354404.2); and 8 more; short protein forms R1887fs, R1840fs, R1889fs, R1906fs, R1909fs, R1869fs, R1886fs, R1911fs.
Identifiers: ClinVar variation 557346 (VCV000557346.16), dbSNP rs568470164, ClinGen allele CA5504973.
Genomic context (GRCh38, chr10:53,822,001, plus strand): 5'-TGATTTCCATATTTGTTACTTCTGAAGGGCACATAGTTTGAAGTTCTGAAACATTTGTGC[G>GTAGA]TAGATAGTTTTTTTCTATTTGACTGTACATGTTAGCTACTGATTTTTCAAGTTCTGCTAA-3'

ClinVar aggregate classification (germline): Conflicting classifications of pathogenicity. Review status: criteria provided, conflicting classifications (1 of 4 stars). 6 submissions from 6 submitters: Uncertain significance (3); Likely benign (1). 2 of the submissions do not count toward it. Last evaluated 2026-05-26.

Conditions:
Autosomal recessive nonsyndromic hearing loss 23. Identifiers: Orphanet 90636, MedGen C1836027, MONDO:0012293, OMIM 609533.
Usher syndrome type 1D (USH1D). Also called: USHER SYNDROME, TYPE ID. Identifiers: Orphanet 231169, Orphanet 886, MedGen C1832845, MONDO:0010984, OMIM 601067.
Usher syndrome type 1F (USH1F). Also called: USHER SYNDROME, TYPE IF. Identifiers: Orphanet 231169, Orphanet 886, MedGen C1865885, MONDO:0011186, OMIM 602083.
PCDH15-related disorder. Also called: PCDH15-related condition; PCDH15-related disorders.

Submissions (6):

GeneDx
Classification: Uncertain significance. Last evaluated: 2026-05-26. Review status: criteria provided, single submitter. Criteria: GeneDx Variant Classification Process June 2021. Collection method: clinical testing. Allele origin: germline.
Comment: Reported in the heterozygous state in a patient with Usher syndrome in published literature (PMID: 25307757); Frameshift variant predicted to result in abnormal protein length as the last 47 amino acids are replaced with 23 different amino acids; This variant is associated with the following publications: (PMID: 25307757)

PreventionGenetics, part of Exact Sciences
Classification: Uncertain significance for PCDH15-related condition. Last evaluated: 2026-04-16. Review status: criteria provided, single submitter. Criteria: ACMG Guidelines, 2015. Collection method: clinical testing. Allele origin: germline.
Comment: The PCDH15 c.5721_5724dupTCTA variant is predicted to result in a frameshift and premature protein termination (p.Arg1909Serfs*24). To our knowledge, this variant has not been reported in the literature in association with disease. This variant is reported in 0.032% of alleles in individuals of African descent in gnomAD. This variant occurs in the last exon and no premature termination variants downstream of this position have been convincingly associated with disease. However, a different frameshift and premature termination variant at this position (c.5721_5724del, p.Leu1908Alafs*15) has been reported in the compound heterozygous state along with a second truncating variant in a patient with retinitis pigmentosa (Liu. 2020. PubMed ID: 33090715). Although we suspect that this variant may be pathogenic, at this time, the clinical significance of this variant is uncertain due to the absence of conclusive functional and genetic evidence.

Labcorp Genetics (formerly Invitae), Labcorp
Classification: Likely benign. Last evaluated: 2026-01-09. Review status: criteria provided, single submitter. Criteria: Invitae Variant Classification Sherloc (09022015). Collection method: clinical testing. Allele origin: germline.

Fulgent Genetics
Classification: Uncertain significance for Usher syndrome type 1D; Usher syndrome type 1F; Autosomal recessive nonsyndromic hearing loss 23. Last evaluated: 2022-04-20. Review status: criteria provided, single submitter. Criteria: ACMG Guidelines, 2015. Collection method: clinical testing. Allele origin: unknown.

Natera, Inc.
Classification: Uncertain significance for Usher syndrome type 1F. Last evaluated: 2020-02-05. Review status: no assertion criteria provided. Collection method: clinical testing. Allele origin: germline. Not counted in ClinVar's aggregate classification.

Counsyl
Classification: Uncertain significance for Usher syndrome type 1F. Last evaluated: 2018-03-16. Review status: no assertion criteria provided. Collection method: clinical testing. Allele origin: unknown. Not counted in ClinVar's aggregate classification.

Literature cited by the submitters: PubMed 25307757 (cited by Counsyl).